The following is an entry in ClinVar:

ClinVar aggregate classification (germline): Uncertain significance (1 of 4 stars; one submission).

Conditions:
Saldino-Mainzer syndrome (SRTD9). Also called: CONORENAL SYNDROME; Renal dysplasia, retinal pigmentary dystrophy, cerebellar ataxia and skeletal dysplasia; SHORT-RIB THORACIC DYSPLASIA 9 WITHOUT POLYDACTYLY; short-rib thoracic dysplasia 9 with or without polydactyly. Identifiers: Orphanet 140969, MedGen C1849437, MONDO:0009964, OMIM 266920.

Submission:

Labcorp Genetics (formerly Invitae), Labcorp
Classification: Uncertain significance for Saldino-Mainzer syndrome. Last evaluated: 2022-06-27. Review status: criteria provided, single submitter. Criteria: Invitae Variant Classification Sherloc (09022015). Collection method: clinical testing. Allele origin: germline.
Comment: This sequence change replaces histidine, which is basic and polar, with glutamine, which is neutral and polar, at codon 24 of the IFT140 protein (p.His24Gln). This variant is not present in population databases (gnomAD no frequency). This variant has not been reported in the literature in individuals affected with IFT140-related conditions. Algorithms developed to predict the effect of missense changes on protein structure and function are either unavailable or do not agree on the potential impact of this missense change (SIFT: "Tolerated"; PolyPhen-2: "Probably Damaging"; Align-GVGD: "Class C0"). In summary, the available evidence is currently insufficient to determine the role of this variant in disease. Therefore, it has been classified as a Variant of Uncertain Significance.

NM_014714.4(IFT140):c.72C>A (p.His24Gln)

Genes: IFT140 (intraflagellar transport 140; minus strand), LOC105371046 (uncharacterized LOC105371046; plus strand). Cytogenetic location: 16p13.3.
Variant type: single nucleotide variant.
Coding change: c.72C>A on transcript NM_014714.4 (MANE Select); coding-DNA position 72, C replaced by A.
Protein change: p.His24Gln; replaces histidine 24 with glutamine.
Molecular consequence: missense variant.
Genome position (GRCh38, 1-based): chr16:1,607,195, G>T on the plus strand (C>A on the coding strand, the complement: IFT140 is on the minus strand). VCF-style: chr16-1607195-G-T. GRCh37 (hg19) VCF-style: chr16-1657196-G-T.
Other names: short protein forms H24Q.
Identifiers: ClinVar variation 1400539 (VCV001400539.8), dbSNP rs2036118371, ClinGen allele CA394194745.